The following is an entry in ClinVar:

NM_001184785.2(PARD3):c.339C>G (p.Val113=)

Gene: PARD3 (par-3 family cell polarity regulator; minus strand). Cytogenetic location: 10p11.21.
Variant type: single nucleotide variant.
Coding change: c.339C>G on transcript NM_001184785.2 (MANE Select); coding-DNA position 339, C replaced by G.
Protein change: p.Val113=; no amino-acid change (valine 113 retained).
Molecular consequence: synonymous variant.
Genome position (GRCh38, 1-based): chr10:34,517,043, G>C on the plus strand (C>G on the coding strand, the complement: PARD3 is on the minus strand). VCF-style: chr10-34517043-G-C. GRCh37 (hg19) VCF-style: chr10-34805971-G-C.
Other names: c.339C>G (NM_019619.3); c.339C>G, p.Val113= (NM_001184786.2, NM_001184787.2, NM_001184788.2 and 7 more transcripts).
Identifiers: ClinVar variation 2640403 (VCV002640403.25), dbSNP rs41276096, ClinGen allele CA5468208.
Genomic context (GRCh38, chr10:34,517,043, plus strand): 5'-TCGAAGGACTGAAGGTGTGACCTCAATTTCACTTGTTGCTTGGTAAGGCTGAAAGGCTGA[G>C]ACATTGTTGGTGCCAAGCTCACTACCAAATATCTCTGGGCTCTGGGTACCCGTGGAACTG-3'
Protein context (NP_001171714.1, residues 103-123): IFGSELGTNN[Val113=]SAFQPYQATS

ClinVar aggregate classification (germline): Likely benign. Review status: criteria provided, single submitter (1 of 4 stars). 2 submissions from 2 submitters: Likely benign (1). 1 of the submissions does not count toward it. Last evaluated 2022-03-01.

Conditions:
PARD3-related disorder. Also called: PARD3-related condition.

Allele frequency attached by ClinVar (database versions not stated): 1000 Genomes Project 30x 0.00047; 1000 Genomes Project 0.00060; ESP Exome Variant Server 0.00123; gnomAD 0.00135; TOPMed 0.00142; ExAC 0.00147.
gnomAD v4.1: 2,434 of 1,614,212 alleles (0.15%); highest among the groups gnomAD compares: Middle Eastern, 0.99%; 9 homozygotes.

Submissions (2):

CeGaT Center for Human Genetics Tuebingen
Classification: Likely benign. Last evaluated: 2022-03-01. Review status: criteria provided, single submitter. Criteria: CeGaT Center For Human Genetics Tuebingen Variant Classification Criteria Version 2. Collection method: clinical testing. Allele origin: germline. Affected: yes. Observed: 1 variant allele.
Comment: PARD3: BP4, BP7

PreventionGenetics, part of Exact Sciences
Classification: Likely benign for PARD3-related condition. Last evaluated: 2019-02-19. Review status: no assertion criteria provided. Collection method: clinical testing. Allele origin: germline. Not counted in ClinVar's aggregate classification.
Comment: This variant is classified as likely benign based on ACMG/AMP sequence variant interpretation guidelines (Richards et al. 2015 PMID: 25741868, with internal and published modifications).